The following is an entry in ClinVar:

ClinVar aggregate classification (germline): Conflicting classifications of pathogenicity. Review status: criteria provided, conflicting classifications (1 of 4 stars). 4 submissions from 4 submitters: Uncertain significance (1); Likely benign (3). Last evaluated 2026-01-28.

Conditions:
Hereditary cancer-predisposing syndrome. Also called: Neoplastic Syndromes, Hereditary; Hereditary Cancer Syndrome; Tumor predisposition; Hereditary neoplastic syndrome. Identifiers: Orphanet 140162, MedGen C0027672, MeSH D009386, MONDO:0015356.
Multiple endocrine neoplasia, type 2 (MEN2). Identifiers: Orphanet 653, MedGen C4048306, MONDO:0019003. Disease mechanism: gain of function.

Allele frequency attached by ClinVar (database versions not stated): ExAC 0.00001; gnomAD exomes 0.00001; TOPMed 0.00001.
gnomAD v4.1: 17 of 1,614,114 alleles (0.0011%); highest among the groups gnomAD compares: Non-Finnish European, 0.0014%; no homozygotes.

Submissions (4):

Labcorp Genetics (formerly Invitae), Labcorp
Classification: Likely benign for Multiple endocrine neoplasia, type 2. Last evaluated: 2026-01-28. Review status: criteria provided, single submitter. Criteria: Invitae Variant Classification Sherloc (09022015). Collection method: clinical testing. Allele origin: germline.

All of Us Research Program, National Institutes of Health
Classification: Likely benign for Multiple endocrine neoplasia, type 2. Last evaluated: 2023-12-13. Review status: criteria provided, single submitter. Criteria: ACMG Guidelines, 2015. Collection method: clinical testing. Allele origin: germline. Inheritance: Autosomal dominant inheritance. Observed: 2 variant alleles, 2 heterozygotes.
Comment: This study involves interpretation of variants in research participants for the purpose of population health screening. Participant phenotype was not available at the time of variant classification. Additional details can be found in publication PMID: 35346344, PMCID: PMC8962531

Institute for Clinical Genetics, University Hospital TU Dresden, University Hospital TU Dresden
Classification: Uncertain significance. Last evaluated: 2021-11-03. Review status: criteria provided, single submitter. Criteria: ACMG Guidelines, 2015. Collection method: clinical testing. Allele origin: germline.

Ambry Genetics
Classification: Likely benign for Hereditary cancer-predisposing syndrome. Last evaluated: 2020-02-18. Review status: criteria provided, single submitter. Criteria: Ambry Variant Classification Scheme 2023. Collection method: clinical testing. Allele origin: germline.

NM_020975.6(RET):c.1686C>T (p.Thr562=)

Gene: RET (ret proto-oncogene; plus strand). Cytogenetic location: 10q11.21.
Variant type: single nucleotide variant.
Coding change: c.1686C>T on transcript NM_020975.6 (MANE Select); coding-DNA position 1686, C replaced by T.
Protein change: p.Thr562=; no amino-acid change (threonine 562 retained).
Molecular consequence: synonymous variant.
Genome position (GRCh38, 1-based): chr10:43,112,890, C>T. VCF-style: chr10-43112890-C-T. GRCh37 (hg19) VCF-style: chr10-43608338-C-T.
Other names: c.1686C>T, p.Thr562= (NM_000323.2, NM_001406743.1, NM_001406744.1 and 6 more transcripts); c.924C>T, p.Thr308= (NM_001355216.2); c.1557C>T, p.Thr519= (NM_001406761.1, NM_001406762.1, NM_001406764.1 and 1 more transcripts); c.1398C>T, p.Thr466= (NM_001406766.1, NM_001406767.1, NM_001406770.1); c.1290C>T, p.Thr430= (NM_001406769.1, NM_001406772.1); c.1248C>T, p.Thr416= (NM_001406771.1, NM_001406773.1); c.1161C>T, p.Thr387= (NM_001406774.1); c.960C>T, p.Thr320= (NM_001406775.1, NM_001406776.1, NM_001406777.1 and 1 more transcripts); and 5 more.
Identifiers: ClinVar variation 543768 (VCV000543768.19), dbSNP rs767502292, ClinGen allele CA035077.